The following is an entry in ClinVar:

NM_012463.4(ATP6V0A2):c.2043C>T (p.Phe681=)

Gene: ATP6V0A2 (ATPase H+ transporting V0 subunit a2; plus strand). Cytogenetic location: 12q24.31.
Variant type: single nucleotide variant.
Coding change: c.2043C>T on transcript NM_012463.4 (MANE Select); coding-DNA position 2043, C replaced by T.
Protein change: p.Phe681=; no amino-acid change (phenylalanine 681 retained).
Molecular consequence: synonymous variant.
Genome position (GRCh38, 1-based): chr12:123,751,217, C>T. VCF-style: chr12-123751217-C-T. GRCh37 (hg19) VCF-style: chr12-124235764-C-T.
Identifiers: ClinVar variation 763559 (VCV000763559.40), dbSNP rs202084330, ClinGen allele CA6862099.

ClinVar aggregate classification (germline): Likely benign. Review status: criteria provided, multiple submitters, no conflicts (2 of 4 stars). 2 submissions from 2 submitters: Likely benign (2). Last evaluated 2025-08-20.

Conditions:
ALG9 congenital disorder of glycosylation (CDG1L). Also called: CDG Il; ALG9-CDG; CONGENITAL DISORDER OF GLYCOSYLATION, TYPE Il. Identifiers: Orphanet 79328, MedGen C2931006, MONDO:0012117, OMIM 608776.

Allele frequency attached by ClinVar (database versions not stated): TOPMed 0.00001; ExAC 0.00002; gnomAD 0.00002; gnomAD exomes 0.00002.
gnomAD v4.1: 31 of 1,614,044 alleles (0.0019%); highest among the groups gnomAD compares: East Asian, 0.0045%; no homozygotes.

Submissions (2):

Labcorp Genetics (formerly Invitae), Labcorp
Classification: Likely benign for ALG9 congenital disorder of glycosylation. Last evaluated: 2025-08-20. Review status: criteria provided, single submitter. Criteria: Invitae Variant Classification Sherloc (09022015). Collection method: clinical testing. Allele origin: germline.

CeGaT Center for Human Genetics Tuebingen
Classification: Likely benign. Last evaluated: 2025-01-01. Review status: criteria provided, single submitter. Criteria: CeGaT Center For Human Genetics Tuebingen Variant Classification Criteria Version 2. Collection method: clinical testing. Allele origin: germline. Affected: yes. Observed: 2 variant alleles.
Comment: ATP6V0A2: BP4, BP7